The following is an entry in ClinVar:

ClinVar aggregate classification (germline): Uncertain significance (1 of 4 stars; one submission).

Allele frequency attached by ClinVar (database versions not stated): ExAC 0.00001.

Submission:

Ambry Genetics
Classification: Uncertain significance. Last evaluated: 2022-10-22. Review status: criteria provided, single submitter. Criteria: Ambry Variant Classification Scheme 2023. Collection method: clinical testing. Allele origin: germline.
Comment: The p.A82T variant (also known as c.244G>A), located in coding exon 3 of the ALPK2 gene, results from a G to A substitution at nucleotide position 244. The alanine at codon 82 is replaced by threonine, an amino acid with similar properties. This amino acid position is conserved. In addition, this alteration is predicted to be tolerated by in silico analysis. Since supporting evidence is limited at this time, the clinical significance of this alteration remains unclear.

NM_052947.4(ALPK2):c.244G>A (p.Ala82Thr)

Gene: ALPK2 (alpha kinase 2; minus strand). Cytogenetic location: 18q21.31.
Variant type: single nucleotide variant.
Coding change: c.244G>A on transcript NM_052947.4 (MANE Select); coding-DNA position 244, G replaced by A.
Protein change: p.Ala82Thr; replaces alanine 82 with threonine.
Molecular consequence: missense variant.
Genome position (GRCh38, 1-based): chr18:58,580,532, C>T on the plus strand (G>A on the coding strand, the complement: ALPK2 is on the minus strand). VCF-style: chr18-58580532-C-T. GRCh37 (hg19) VCF-style: chr18-56247764-C-T.
Other names: short protein forms A82T.
Identifiers: ClinVar variation 1791464 (VCV001791464.2), dbSNP rs760199265, ClinGen allele CA8977485.
Genomic context (GRCh38, chr18:58,580,532, plus strand): 5'-CGGAAGCAGAACAACAGATCATTCCAAAAGAGTTTTTAGCCGAGATTTGATAGACAGCAG[C>T]ATCATTTTTGGTACAGCTAGGATGAAGAGAATATATAGATAAGTTTGCCACATTTGGACA-3'
Protein context (NP_443179.3, residues 72-92): LHLSCCTKND[Ala82Thr]AVYQISAKNS